The following is an entry in ClinVar:

NM_020778.5(ALPK3):c.3736G>A (p.Gly1246Ser)

Gene: ALPK3 (alpha kinase 3; plus strand). Cytogenetic location: 15q25.3.
Variant type: single nucleotide variant.
Coding change: c.3736G>A on transcript NM_020778.5 (MANE Select); coding-DNA position 3736, G replaced by A.
Protein change: p.Gly1246Ser; replaces glycine 1246 with serine.
Molecular consequence: missense variant.
Genome position (GRCh38, 1-based): chr15:84,858,474, G>A. VCF-style: chr15-84858474-G-A. GRCh37 (hg19) VCF-style: chr15-85401705-G-A.
Other names: c.4342G>A (NM_020778.4); short protein forms G1246S.
Identifiers: ClinVar variation 1402145 (VCV001402145.12), dbSNP rs765178304, ClinGen allele CA7709709.
Genomic context (GRCh38, chr15:84,858,474, plus strand): 5'-GTGCCTCGGGCAGAGGAGGAGCTGGCGGCAGGAGACCTGGGCCCCAGCCCCAAGGCCGGC[G>A]GTCTGGACACAGAGGTGGCCCTGGATGAAGGCAAGCAGGAGACACTGGCCAAGCCCAGGA-3'
Protein context (NP_065829.4, residues 1236-1256): GDLGPSPKAG[Gly1246Ser]LDTEVALDEG

ClinVar aggregate classification (germline): Conflicting classifications of pathogenicity. Review status: criteria provided, conflicting classifications (1 of 4 stars). 2 submissions from 2 submitters: Uncertain significance (1); Likely benign (1). Last evaluated 2025-12-17.

Conditions:
Cardiovascular phenotype. Identifiers: MedGen CN230736.

Allele frequency attached by ClinVar (database versions not stated): TOPMed 0.00005; gnomAD 0.00006; gnomAD exomes 0.00006 and 0.00011; ExAC 0.00023.

Submissions (2):

Ambry Genetics
Classification: Likely benign for Cardiovascular phenotype. Last evaluated: 2025-12-17. Review status: criteria provided, single submitter. Criteria: Ambry Variant Classification Scheme 2023. Collection method: clinical testing. Allele origin: germline.

Labcorp Genetics (formerly Invitae), Labcorp
Classification: Uncertain significance. Last evaluated: 2025-01-13. Review status: criteria provided, single submitter. Criteria: Invitae Variant Classification Sherloc (09022015). Collection method: clinical testing. Allele origin: germline.
Comment: This sequence change replaces glycine, which is neutral and non-polar, with serine, which is neutral and polar, at codon 1448 of the ALPK3 protein (p.Gly1448Ser). This variant is present in population databases (rs765178304, gnomAD 0.06%). This variant has not been reported in the literature in individuals affected with ALPK3-related conditions. ClinVar contains an entry for this variant (Variation ID: 1402145). An algorithm developed to predict the effect of missense changes on protein structure and function outputs the following: PolyPhen-2: "Benign". The serine amino acid residue is found in multiple mammalian species, which suggests that this missense change does not adversely affect protein function. In summary, the available evidence is currently insufficient to determine the role of this variant in disease. Therefore, it has been classified as a Variant of Uncertain Significance.